The following is an entry in ClinVar:

ClinVar aggregate classification (germline): Likely benign. Review status: criteria provided, multiple submitters, no conflicts (2 of 4 stars). 3 submissions from 3 submitters: Likely benign (3). Last evaluated 2025-11-04.

Conditions:
Neuroblastoma, susceptibility to, 3. Also called: ALK-Related Neuroblastic Tumor Susceptibility. Identifiers: Orphanet 635, MedGen C2751681, MONDO:0013083, OMIM 613014.
Hereditary cancer-predisposing syndrome. Also called: Tumor predisposition; Hereditary neoplastic syndrome; Neoplastic Syndromes, Hereditary; Hereditary Cancer Syndrome. Identifiers: Orphanet 140162, MedGen C0027672, MeSH D009386, MONDO:0015356.

Allele frequency attached by ClinVar (database versions not stated): TOPMed 0.00001; gnomAD exomes 0.00002; gnomAD 0.00003.
gnomAD v4.1: 40 of 1,613,930 alleles (0.0025%); highest among the groups gnomAD compares: Non-Finnish European, 0.0031%; no homozygotes.

Submissions (3):

Labcorp Genetics (formerly Invitae), Labcorp
Classification: Likely benign for Neuroblastoma, susceptibility to, 3. Last evaluated: 2025-11-04. Review status: criteria provided, single submitter. Criteria: Invitae Variant Classification Sherloc (09022015). Collection method: clinical testing. Allele origin: germline.

CeGaT Center for Human Genetics Tuebingen
Classification: Likely benign. Last evaluated: 2023-02-01. Review status: criteria provided, single submitter. Criteria: CeGaT Center For Human Genetics Tuebingen Variant Classification Criteria Version 2. Collection method: clinical testing. Allele origin: germline. Affected: yes. Observed: 1 variant allele.
Comment: ALK: BP4, BP7

Ambry Genetics
Classification: Likely benign for Hereditary cancer-predisposing syndrome. Last evaluated: 2018-05-21. Review status: criteria provided, single submitter. Criteria: Ambry Variant Classification Scheme 2023. Collection method: clinical testing. Allele origin: germline.

NM_004304.5(ALK):c.3849T>C (p.Tyr1283=)

Gene: ALK (ALK receptor tyrosine kinase; minus strand). Cytogenetic location: 2p23.2.
Variant type: single nucleotide variant.
Coding change: c.3849T>C on transcript NM_004304.5 (MANE Select); coding-DNA position 3849, T replaced by C.
Protein change: p.Tyr1283=; no amino-acid change (tyrosine 1283 retained).
Molecular consequence: synonymous variant.
Genome position (GRCh38, 1-based): chr2:29,207,260, A>G on the plus strand (T>C on the coding strand, the complement: ALK is on the minus strand). VCF-style: chr2-29207260-A-G. GRCh37 (hg19) VCF-style: chr2-29430126-A-G.
Other names: c.645T>C, p.Tyr215= (NM_001353765.2).
Identifiers: ClinVar variation 824294 (VCV000824294.36), dbSNP rs960416635, ClinGen allele CA44644412.